The following is an entry in ClinVar:

ClinVar aggregate classification (germline): Benign/Likely benign. Review status: criteria provided, multiple submitters, no conflicts (2 of 4 stars). 4 submissions from 4 submitters: Benign (1); Likely benign (2). 1 of the submissions does not count toward it. Last evaluated 2025-11-03.

Conditions:
Hereditary cancer-predisposing syndrome. Also called: Hereditary neoplastic syndrome; Neoplastic Syndromes, Hereditary; Tumor predisposition; Hereditary Cancer Syndrome. Identifiers: Orphanet 140162, MedGen C0027672, MeSH D009386, MONDO:0015356.
Hereditary nonpolyposis colorectal neoplasms. Identifiers: MedGen C0009405, MeSH D003123.
MSH6-related disorder. Also called: MSH6-related condition; MSH6-Related disorders.
Lynch syndrome 5 (LYNCH5). Also called: Colorectal cancer, hereditary nonpolyposis, type 5; Hereditary non-polyposis colorectal cancer, type 5. Identifiers: Orphanet 144, MedGen C1833477, MONDO:0013710, OMIM 614350. Disease mechanism: loss of function.

Allele frequency attached by ClinVar (database versions not stated): gnomAD exomes below 0.00001.
gnomAD v4.1: 2 of 1,614,154 alleles (0.00012%); highest among the groups gnomAD compares: Middle Eastern, 0.016%; no homozygotes.

Submissions (4):

Labcorp Genetics (formerly Invitae), Labcorp
Classification: Likely benign for Hereditary nonpolyposis colorectal neoplasms. Last evaluated: 2025-11-03. Review status: criteria provided, single submitter. Criteria: Invitae Variant Classification Sherloc (09022015). Collection method: clinical testing. Allele origin: germline.

Myriad Genetics, Inc.
Classification: Benign for Lynch syndrome 5. Last evaluated: 2024-12-26. Review status: criteria provided, single submitter. Criteria: Myriad Autosomal Dominant, Autosomal Recessive and X-Linked Classification Criteria (2023). Collection method: clinical testing. Allele origin: unknown.
Comment: This variant is considered benign. This variant is a silent/synonymous amino acid change and it is not expected to impact splicing.

Ambry Genetics
Classification: Likely benign for Hereditary cancer-predisposing syndrome. Last evaluated: 2020-07-14. Review status: criteria provided, single submitter. Criteria: Ambry Variant Classification Scheme 2023. Collection method: clinical testing. Allele origin: germline.

PreventionGenetics, part of Exact Sciences
Classification: Likely benign for MSH6-related condition. Last evaluated: 2024-08-20. Review status: no assertion criteria provided. Collection method: clinical testing. Allele origin: germline. Not counted in ClinVar's aggregate classification.
Comment: This variant is classified as likely benign based on ACMG/AMP sequence variant interpretation guidelines (Richards et al. 2015 PMID: 25741868, with internal and published modifications).

NM_000179.3(MSH6):c.1410A>G (p.Ser470=)

Gene: MSH6 (mutS homolog 6; plus strand). Cytogenetic location: 2p16.3.
Variant type: single nucleotide variant.
Coding change: c.1410A>G on transcript NM_000179.3 (MANE Select); coding-DNA position 1410, A replaced by G.
Protein change: p.Ser470=; no amino-acid change (serine 470 retained).
Molecular consequence: synonymous variant.
Genome position (GRCh38, 1-based): chr2:47,799,393, A>G. VCF-style: chr2-47799393-A-G. GRCh37 (hg19) VCF-style: chr2-48026532-A-G.
Other names: c.1020A>G, p.Ser340= (NM_001281492.2); c.504A>G, p.Ser168= (NM_001281493.2, NM_001281494.2).
Identifiers: ClinVar variation 215641 (VCV000215641.13), dbSNP rs863224326, ClinGen allele CA338812.